The following is an entry in ClinVar:

NM_002474.3(MYH11):c.1201_1208del (p.Ile401fs)

Gene: MYH11 (myosin heavy chain 11; minus strand). Cytogenetic location: 16p13.11.
Variant type: Deletion.
Coding change: c.1201_1208del on transcript NM_002474.3 (MANE Select); coding-DNA positions 1201 to 1208, 8 bases deleted (ATCAAGGT; older notation c.1201_1208delATCAAGGT).
Protein change: p.Ile401fs; shifts the reading frame from isoleucine 401.
Molecular consequence: frameshift variant.
Genome position (GRCh38, 1-based): chr16:15,760,580-15,760,587, ACCTTGAT deleted on the plus strand (ATCAAGGT on the coding strand, the reverse complement: MYH11 is on the minus strand); deleting any 8 consecutive bases within chr16:15,760,580-15,760,589 gives the same sequence; the c. name uses the placement nearest the transcript's 3' end. VCF-style (leftmost placement, unchanged base first): chr16-15760579-AACCTTGAT-A. GRCh37 (hg19) VCF-style: chr16-15854436-AACCTTGAT-A.
Other names: c.1222_1229del, p.Ile408fs (NM_001040113.2, NM_001040114.2); c.1201_1208del, p.Ile401fs (NM_022844.3); short protein forms I401fs, I408fs.
Identifiers: ClinVar variation 3724019 (VCV003724019.2).

ClinVar aggregate classification (germline): Pathogenic (1 of 4 stars; one submission).

Conditions:
Aortic aneurysm, familial thoracic 4 (AAT4). Also called: AORTIC ANEURYSM/AORTIC DISSECTION AND PATENT DUCTUS ARTERIOSUS. Identifiers: MedGen C1851504, MONDO:0007568, OMIM 132900.

Submission:

Labcorp Genetics (formerly Invitae), Labcorp
Classification: Pathogenic for Aortic aneurysm, familial thoracic 4. Last evaluated: 2024-10-29. Review status: criteria provided, single submitter. Criteria: Invitae Variant Classification Sherloc (09022015). Collection method: clinical testing. Allele origin: germline.
Comment: This sequence change creates a premature translational stop signal (p.Ile408Trpfs*15) in the MYH11 gene. It is expected to result in an absent or disrupted protein product. Loss-of-function variants in MYH11 are known to be pathogenic (PMID: 25407000, 29575632). This variant is not present in population databases (gnomAD no frequency). This variant has not been reported in the literature in individuals affected with MYH11-related conditions. For these reasons, this variant has been classified as Pathogenic.

Literature cited by the submitters: PubMed 25407000; PubMed 29575632.